The following is an entry in ClinVar:

ClinVar aggregate classification (germline): Benign (1 of 4 stars; one submission).

Allele frequency attached by ClinVar (database versions not stated): 1000 Genomes Project 0.01797; 1000 Genomes Project 30x 0.01843; TOPMed 0.03781; gnomAD 0.04059 and 0.04187.
gnomAD v4.1: 6,195 of 152,288 alleles (4.1%); highest among the groups gnomAD compares: Non-Finnish European, 6.6%; 209 homozygotes.

Submission:

GeneDx
Classification: Benign. Last evaluated: 2018-06-14. Review status: criteria provided, single submitter. Criteria: GeneDx Variant Classification (06012015). Collection method: clinical testing. Allele origin: germline. Affected: yes.
Comment: This variant is considered likely benign or benign based on one or more of the following criteria: it is a conservative change, it occurs at a poorly conserved position in the protein, it is predicted to be benign by multiple in silico algorithms, and/or has population frequency not consistent with disease.

NM_001851.6(COL9A1):c.88+195G>A

Gene: COL9A1 (collagen type IX alpha 1 chain; minus strand). Cytogenetic location: 6q13.
Variant type: single nucleotide variant.
Coding change: c.88+195G>A on transcript NM_001851.6 (MANE Select); 195 bases into the intron after coding-DNA position 88, G replaced by A.
Molecular consequence: intron variant.
Genome position (GRCh38, 1-based): chr6:70,301,806, C>T on the plus strand (G>A on the coding strand, the complement: COL9A1 is on the minus strand). VCF-style: chr6-70301806-C-T. GRCh37 (hg19) VCF-style: chr6-71011509-C-T.
Other names: c.88+195G>A (NM_001377291.1).
Identifiers: ClinVar variation 678719 (VCV000678719.1), dbSNP rs117426118, ClinGen allele CA140830137.